The following is an entry in ClinVar:

ClinVar aggregate classification (germline): Uncertain significance. Review status: criteria provided, multiple submitters, no conflicts (2 of 4 stars). 2 submissions from 2 submitters: Uncertain significance (2). Last evaluated 2025-11-18.

Conditions:
Early-infantile DEE. Also called: Ohtahara syndrome; Early infantile epileptic encephalopathy; Early infantile epileptic encephalopathy with suppression bursts. Identifiers: Orphanet 1934, MedGen C0393706, MONDO:0800491.

Allele frequency attached by ClinVar (database versions not stated): gnomAD exomes below 0.00001 and 0.00001; gnomAD 0.00001.
gnomAD v4.1: 16 of 1,613,690 alleles (0.00099%); highest among the groups gnomAD compares: East Asian, 0.0045%; no homozygotes.

Submissions (2):

Labcorp Genetics (formerly Invitae), Labcorp
Classification: Uncertain significance for Early-infantile DEE. Last evaluated: 2025-11-18. Review status: criteria provided, single submitter. Criteria: Invitae Variant Classification Sherloc (09022015). Collection method: clinical testing. Allele origin: germline.
Comment: This sequence change replaces glutamic acid, which is acidic and polar, with lysine, which is basic and polar, at codon 443 of the SCN1A protein (p.Glu443Lys). This variant is present in population databases (no rsID available, gnomAD 0.008%). This variant has not been reported in the literature in individuals affected with SCN1A-related conditions. ClinVar contains an entry for this variant (Variation ID: 1309815). Invitae Evidence Modeling of protein sequence and biophysical properties (such as structural, functional, and spatial information, amino acid conservation, physicochemical variation, residue mobility, and thermodynamic stability) has been performed for this missense variant. However, the output from this modeling did not meet the statistical confidence thresholds required to predict the impact of this variant on SCN1A protein function. In summary, the available evidence is currently insufficient to determine the role of this variant in disease. Therefore, it has been classified as a Variant of Uncertain Significance.

GeneDx
Classification: Uncertain significance. Last evaluated: 2019-10-31. Review status: criteria provided, single submitter. Criteria: GeneDx Variant Classification Process June 2021. Collection method: clinical testing. Allele origin: germline. Affected: yes.
Comment: The majority of missense variants in this gene are considered pathogenic (Stenson et al., 2014); In silico analysis, which includes protein predictors and evolutionary conservation, supports a deleterious effect; Has not been previously published as pathogenic or benign to our knowledge; This substitution is predicted to be in the cytoplasmic loop between the first and second homologous domains

NM_001165963.4(SCN1A):c.1327G>A (p.Glu443Lys)

Gene: SCN1A (sodium voltage-gated channel alpha subunit 1; minus strand). Cytogenetic location: 2q24.3.
Variant type: single nucleotide variant.
Coding change: c.1327G>A on transcript NM_001165963.4 (MANE Select); coding-DNA position 1327, G replaced by A.
Protein change: p.Glu443Lys; replaces glutamic acid 443 with lysine.
Molecular consequence: missense variant. On other transcripts: 5 prime UTR variant (1), non-coding transcript variant (1).
Genome position (GRCh38, 1-based): chr2:166,046,820, C>T on the plus strand (G>A on the coding strand, the complement: SCN1A is on the minus strand). VCF-style: chr2-166046820-C-T. GRCh37 (hg19) VCF-style: chr2-166903330-C-T.
Other names: c.1327G>A, p.Glu443Lys (NM_001165964.3, NM_001202435.3, NM_001353948.2 and 10 more transcripts); c.-1099G>A (NM_001353961.2); short protein forms E443K.
Identifiers: ClinVar variation 1309815 (VCV001309815.10), dbSNP rs1300925640, ClinGen allele CA349070496.